The following is an entry in ClinVar:

NM_001939.3(DRP2):c.2458G>T (p.Ala820Ser)

Gene: DRP2 (dystrophin related protein 2; plus strand). Cytogenetic location: Xq22.1.
Variant type: single nucleotide variant.
Coding change: c.2458G>T on transcript NM_001939.3 (MANE Select); coding-DNA position 2458, G replaced by T.
Protein change: p.Ala820Ser; replaces alanine 820 with serine.
Molecular consequence: missense variant.
Genome position (GRCh38, 1-based): chrX:101,258,376, G>T. VCF-style: chrX-101258376-G-T. GRCh37 (hg19) VCF-style: chrX-100513365-G-T.
Other names: c.2224G>T, p.Ala742Ser (NM_001171184.2); short protein forms A820S, A742S.
Identifiers: ClinVar variation 3676468 (VCV003676468.2).

ClinVar aggregate classification (germline): Uncertain significance (1 of 4 stars; one submission).

Submission:

Labcorp Genetics (formerly Invitae), Labcorp
Classification: Uncertain significance. Last evaluated: 2024-03-12. Review status: criteria provided, single submitter. Criteria: Invitae Variant Classification Sherloc (09022015). Collection method: clinical testing. Allele origin: germline.
Comment: This sequence change replaces alanine, which is neutral and non-polar, with serine, which is neutral and polar, at codon 820 of the DRP2 protein (p.Ala820Ser). The frequency data for this variant in the population databases is considered unreliable, as metrics indicate poor data quality at this position in the gnomAD database. This variant has not been reported in the literature in individuals affected with DRP2-related conditions. Advanced modeling of protein sequence and biophysical properties (such as structural, functional, and spatial information, amino acid conservation, physicochemical variation, residue mobility, and thermodynamic stability) has been performed at Invitae for this missense variant, however the output from this modeling did not meet the statistical confidence thresholds required to predict the impact of this variant on DRP2 protein function. In summary, the available evidence is currently insufficient to determine the role of this variant in disease. Therefore, it has been classified as a Variant of Uncertain Significance.